The following is an entry in ClinVar:

Conditions:
Breast-ovarian cancer, familial, susceptibility to, 1 (BROVCA1). Also called: BRCA1 Hereditary Breast and Ovarian Cancer; OVARIAN CANCER, SUSCEPTIBILITY TO. Identifiers: Orphanet 145, MedGen C2676676, MONDO:0011450, OMIM 604370. Disease mechanism: loss of function.

Submission:

Brotman Baty Institute, University of Washington
No classification provided (evidence only). Condition: Breast-ovarian cancer, familial 1. Review status: no classification provided. Collection method: in vitro. Allele origin: not applicable. Functional consequence: functionally_normal.
ClinVar note: "not provided" was previously submitted as the classification for the variant. However, the classification appeared to be based only on an observation of functional data so it was converted to no classification on 2025-07-30.

NM_007294.4(BRCA1):c.5439T>G (p.Asp1813Glu)

Gene: BRCA1 (BRCA1 DNA repair associated; minus strand). Cytogenetic location: 17q21.31.
Variant type: single nucleotide variant.
Coding change: c.5439T>G on transcript NM_007294.4 (MANE Select); coding-DNA position 5439, T replaced by G.
Protein change: p.Asp1813Glu; replaces aspartic acid 1813 with glutamic acid.
Molecular consequence: missense variant. On other transcripts: non-coding transcript variant (1).
Genome position (GRCh38, 1-based): chr17:43,047,671, A>C on the plus strand (T>G on the coding strand, the complement: BRCA1 is on the minus strand). VCF-style: chr17-43047671-A-C. GRCh37 (hg19) VCF-style: chr17-41199688-A-C.
Other names: c.5226T>G, p.Asp1742Glu (NM_001407571.1, NM_001407900.1, NM_001407902.1 and 12 more transcripts); c.5505T>G, p.Asp1835Glu (NM_001407581.1, NM_001407582.1); c.5502T>G, p.Asp1834Glu (NM_001407583.1, NM_001407585.1, NM_001407587.1 and 1 more transcripts); c.5436T>G, p.Asp1812Glu (NM_001407610.1, NM_001407611.1, NM_001407612.1 and 14 more transcripts); c.5433T>G, p.Asp1811Glu (NM_001407629.1, NM_001407630.1, NM_001407631.1 and 13 more transcripts); c.5379T>G, p.Asp1793Glu (NM_001407649.1); c.5361T>G, p.Asp1787Glu (NM_001407652.1, NM_001407653.1, NM_001407654.1 and 1 more transcripts); c.5358T>G, p.Asp1786Glu (NM_001407656.1, NM_001407657.1, NM_001407658.1); and 83 more; short protein forms D1813E, D709E, D1834E, C685G, D1766E, C1746G, C684G, D1516E.
Identifiers: ClinVar variation 867393 (VCV000867393.3), dbSNP rs760396669, ClinGen allele CA10590540.